The following is an entry in ClinVar:

ClinVar aggregate classification (germline): Uncertain significance (1 of 4 stars; one submission).

Conditions:
Hereditary cancer-predisposing syndrome. Also called: Neoplastic Syndromes, Hereditary; Tumor predisposition; Hereditary neoplastic syndrome; Hereditary Cancer Syndrome. Identifiers: Orphanet 140162, MedGen C0027672, MeSH D009386, MONDO:0015356.

Submission:

Ambry Genetics
Classification: Uncertain significance for Hereditary cancer-predisposing syndrome. Last evaluated: 2025-05-15. Review status: criteria provided, single submitter. Criteria: Ambry Variant Classification Scheme 2023. Collection method: clinical testing. Allele origin: germline.
Comment: The p.K546T variant (also known as c.1637A>C), located in coding exon 10 of the KIT gene, results from an A to C substitution at nucleotide position 1637. The lysine at codon 546 is replaced by threonine, an amino acid with similar properties. This amino acid position is conserved. In addition, this alteration is predicted to be deleterious by in silico analysis. Based on the available evidence, the clinical significance of this variant remains unclear.

NM_000222.3(KIT):c.1637A>C (p.Lys546Thr)

Gene: KIT (KIT proto-oncogene, receptor tyrosine kinase; plus strand). Cytogenetic location: 4q12.
Variant type: single nucleotide variant.
Coding change: c.1637A>C on transcript NM_000222.3 (MANE Select); coding-DNA position 1637, A replaced by C.
Protein change: p.Lys546Thr; replaces lysine 546 with threonine.
Molecular consequence: missense variant.
Genome position (GRCh38, 1-based): chr4:54,727,314, A>C. VCF-style: chr4-54727314-A-C. GRCh37 (hg19) VCF-style: chr4-55593480-A-C.
Other names: c.1625A>C, p.Lys542Thr (NM_001093772.2, NM_001385286.1); c.1640A>C, p.Lys547Thr (NM_001385284.1, NM_001385290.1); c.1637A>C, p.Lys546Thr (NM_001385285.1); c.1628A>C, p.Lys543Thr (NM_001385288.1, NM_001385292.1); short protein forms K547T, K543T, K542T, K546T.
Identifiers: ClinVar variation 4043768 (VCV004043768.1).